The following is an entry in ClinVar:

NM_033380.3(COL4A5):c.1424-20T>A

Gene: COL4A5 (collagen type IV alpha 5 chain; plus strand). Cytogenetic location: Xq22.3.
Variant type: single nucleotide variant.
Coding change: c.1424-20T>A on transcript NM_033380.3 (MANE Select); 20 bases into the intron before coding-DNA position 1424, T replaced by A.
Molecular consequence: intron variant.
Genome position (GRCh38, 1-based): chrX:108,595,489, T>A. VCF-style: chrX-108595489-T-A. GRCh37 (hg19) VCF-style: chrX-107838719-T-A.
Other names: c.1424-20T>A (NM_000495.5).
Identifiers: ClinVar variation 24412 (VCV000024412.7), dbSNP rs281874668, ClinGen allele CA258480.

ClinVar aggregate classification (germline): Pathogenic/Likely pathogenic. Review status: criteria provided, multiple submitters, no conflicts (2 of 4 stars). 2 submissions from 2 submitters: Pathogenic (1); Likely pathogenic (1). Last evaluated 2024-02-05.

Conditions:
X-linked Alport syndrome (ATS1). Also called: COL4A5-Related Nephropathy; NEPHROPATHY AND DEAFNESS, X-LINKED. Identifiers: Orphanet 63, Orphanet 88917, MedGen C4746986, MONDO:0010520, OMIM 301050.

Submissions (2):

Fulgent Genetics
Classification: Pathogenic for X-linked Alport syndrome. Last evaluated: 2024-02-05. Review status: criteria provided, single submitter. Criteria: ACMG Guidelines, 2015. Collection method: clinical testing. Allele origin: germline.

GeneDx
Classification: Likely pathogenic. Last evaluated: 2020-05-18. Review status: criteria provided, single submitter. Criteria: GeneDx Variant Classification Process June 2021. Collection method: clinical testing. Allele origin: germline. Affected: yes.
Comment: Published functional studies demonstrate this variant causes exon skipping of exon 22 (Horinouchi et al., 2019); Not observed in large population cohorts (Lek et al., 2016); In-silico analysis is inconclusive as to whether the variant alters gene splicing. In the absence of RNA/functional studies, the actual effect of this sequence change is unknown.; This variant is associated with the following publications: (PMID: 31481700, 20378821, 19919694)